The following is an entry in ClinVar:

NM_001267550.2(TTN):c.58049AAG[1] (p.Glu19351del)

Genes: TTN-AS1 (TTN antisense RNA 1; plus strand), TTN (titin; minus strand). Cytogenetic location: 2q31.2.
Variant type: Microsatellite.
Coding change: c.58049AAG[1] on transcript NM_001267550.2 (MANE Select); one copy of the 3-base unit AAG starting at c.58049; the reference has two copies in a row; one copy, 3 bases deleted; also written c.58052_58054del.
Protein change: p.Glu19351del; deletes glutamic acid 19351.
Molecular consequence: inframe deletion.
Genome position (GRCh38, 1-based): chr2:178,594,440-178,594,442, CTT deleted on the plus strand (AAG on the coding strand, the reverse complement: TTN is on the minus strand); deleting any 3 consecutive bases within chr2:178,594,440-178,594,445 gives the same sequence; the position shown is the placement nearest the transcript's 3' end. VCF-style (leftmost placement, unchanged base first): chr2-178594439-CCTT-C. GRCh37 (hg19) VCF-style: chr2-179459166-CCTT-C.
Other names: c.53126AAG[1], p.Glu17710del (NM_001256850.1); c.30854AAG[1], p.Glu10286del (NM_003319.4); c.50345AAG[1], p.Glu16783del (NM_133378.4); c.31229AAG[1], p.Glu10411del (NM_133432.3); c.31430AAG[1], p.Glu10478del (NM_133437.4); c.58052_58054delAAG (NM_001267550.2); c.58052_58054del (NM_001267550.2); c.30857_30859delAAG (NM_003319.4); and 1 more; short protein forms E19351del, E16783del, E10286del, E10478del, E10411del, E17710del.
Identifiers: ClinVar variation 47132 (VCV000047132.13), dbSNP rs397517634, ClinGen allele CA140085.

ClinVar aggregate classification (germline): Uncertain significance. Review status: criteria provided, multiple submitters, no conflicts (2 of 4 stars). 5 submissions from 5 submitters: Uncertain significance (5). Last evaluated 2025-02-05.

Conditions:
Cardiovascular phenotype. Identifiers: MedGen CN230736.
Dilated cardiomyopathy 1G (CMD1G). Identifiers: Orphanet 154, MedGen C1858763, MONDO:0011400, OMIM 604145.
Autosomal recessive limb-girdle muscular dystrophy type 2J (LGMDR10). Also called: Limb-girdle muscular dystrophy, type 2J; MUSCULAR DYSTROPHY, LIMB-GIRDLE, AUTOSOMAL RECESSIVE 10. Identifiers: Orphanet 140922, MedGen C1837342, MONDO:0012127, OMIM 608807.
Hypertrophic cardiomyopathy 9. Also called: Familial hypertrophic cardiomyopathy 9. Identifiers: MedGen C1861065, MONDO:0013412, OMIM 613765.
Tibial muscular dystrophy (TMD). Also called: Tibial muscular dystrophy, tardive; UDD MYOPATHY; Udd Distal Myopathy – Tibial Muscular Dystrophy. Identifiers: Orphanet 609, MedGen C1838244, MONDO:0010870, OMIM 600334.
Myopathy, myofibrillar, 9, with early respiratory failure (MFM9). Also called: MYOPATHY, PROXIMAL, WITH EARLY RESPIRATORY MUSCLE INVOLVEMENT; Myopathy, distal, with early respiratory failure, autosomal dominant; Hereditary myopathy with early respiratory failure; EDSTROM MYOPATHY. Identifiers: Orphanet 178464, Orphanet 34521, MedGen C1863599, MONDO:0011362, OMIM 603689.
Early-onset myopathy with fatal cardiomyopathy (CMYO5). Also called: CONGENITAL MYOPATHY 5 WITH CARDIOMYOPATHY; Salih Myopathy. Identifiers: Orphanet 289377, MedGen C2673677, MONDO:0012714, OMIM 611705. Disease mechanism: loss of function.

Submissions (5):

Ambry Genetics
Classification: Uncertain significance for Cardiovascular phenotype. Last evaluated: 2025-02-05. Review status: criteria provided, single submitter. Criteria: Ambry Variant Classification Scheme 2023. Collection method: clinical testing. Allele origin: germline.
Comment: The c.30857_30859delAAG variant (also known as p.E10286del) is located in coding exon 123 of the TTN gene. This variant results from an in-frame AAG deletion at nucleotide positions 30857 to 30859. This results in the in-frame deletion of a glutamic acid at codon 10286. This amino acid position is well conserved in available vertebrate species. In addition, this alteration is predicted to be deleterious by in silico analysis (Choi Y et al. PLoS ONE. 2012; 7(10):e46688). Based on the available evidence, the clinical significance of this variant remains unclear.

Fulgent Genetics
Classification: Uncertain significance for Tibial muscular dystrophy; Myopathy, myofibrillar, 9, with early respiratory failure; Dilated cardiomyopathy 1G; Autosomal recessive limb-girdle muscular dystrophy type 2J; Early-onset myopathy with fatal cardiomyopathy; Hypertrophic cardiomyopathy 9. Last evaluated: 2023-12-29. Review status: criteria provided, single submitter. Criteria: ACMG Guidelines, 2015. Collection method: clinical testing. Allele origin: germline.

Labcorp Genetics (formerly Invitae), Labcorp
Classification: Uncertain significance for Dilated cardiomyopathy 1G; Autosomal recessive limb-girdle muscular dystrophy type 2J. Last evaluated: 2018-10-07. Review status: criteria provided, single submitter. Criteria: Invitae Variant Classification Sherloc (09022015). Collection method: clinical testing. Allele origin: germline.
Comment: This variant, c.58052_58054delAAG, results in the deletion of 1 amino acid of the TTN protein (p.Glu19351del), but otherwise preserves the integrity of the reading frame. This variant is present in population databases (rs397517634, ExAC 0.09%). This variant has not been reported in the literature in individuals with TTN-related disease. ClinVar contains an entry for this variant (Variation ID: 47132). This variant identified in the TTN gene is located in the A band of the resulting protein (PMID: 25589632). It is unclear how this variant impacts the function of this protein. Algorithms developed to predict the effect of sequence changes on RNA splicing suggest that this variant may create or strengthen a splice site, but this prediction has not been confirmed by published transcriptional studies. In summary, the available evidence is currently insufficient to determine the role of this variant in disease. Therefore, it has been classified as a Variant of Uncertain Significance.

Eurofins Ntd Llc (ga)
Classification: Uncertain significance. Last evaluated: 2018-03-28. Review status: criteria provided, single submitter. Criteria: EGL ClinVar v180209 classification definitions. Collection method: clinical testing. Allele origin: germline. Observed: 1 variant allele, 1 heterozygote.

Laboratory for Molecular Medicine, Mass General Brigham Personalized Medicine
Classification: Uncertain significance. Last evaluated: 2014-07-03. Review status: criteria provided, single submitter. Criteria: LMM Criteria. Collection method: clinical testing. Allele origin: germline. Observed: 3 variant alleles.
Comment: Data from large population studies is insufficient to assess its frequency. This variant is a deletion of 1 amino acid at position 16783 and is not predicted to alter the protein reading-frame. It is unclear if this dele tion will impact the protein. In summary, the clinical significance of the Glu16 783del variant is uncertain.

Literature cited by the submitters: PubMed 25589632 (cited by Labcorp Genetics (formerly Invitae), Labcorp).